The following is an entry in ClinVar:

NM_007294.4(BRCA1):c.1003del (p.Ser335fs)

Gene: BRCA1 (BRCA1 DNA repair associated; minus strand). Cytogenetic location: 17q21.31.
Variant type: Deletion.
Coding change: c.1003del on transcript NM_007294.4 (MANE Select); coding-DNA position 1003, one base deleted (A; older notation c.1003delA).
Protein change: p.Ser335fs; shifts the reading frame from serine 335.
Molecular consequence: frameshift variant. On other transcripts: intron variant (137).
Genome position (GRCh38, 1-based): chr17:43,094,528, T deleted on the plus strand (A on the coding strand, the reverse complement: BRCA1 is on the minus strand). VCF-style (leftmost placement, unchanged base first): chr17-43094527-CT-C. GRCh37 (hg19) VCF-style: chr17-41246544-CT-C.
Other names: c.790del, p.Ser264fs (NM_001407571.1, NM_001407853.1, NM_001407894.1 and 9 more transcripts); c.1003del, p.Ser335fs (NM_001407581.1, NM_001407582.1, NM_001407583.1 and 30 more transcripts); c.1000del, p.Ser334fs (NM_001407587.1, NM_001407590.1, NM_001407591.1 and 22 more transcripts); c.994del, p.Ser332fs (NM_001407646.1, NM_001407647.1); c.880del, p.Ser294fs (NM_001407648.1, NM_001407664.1, NM_001407665.1 and 19 more transcripts); c.877del, p.Ser293fs (NM_001407649.1, NM_001407670.1, NM_001407671.1 and 11 more transcripts); c.925del, p.Ser309fs (NM_001407653.1, NM_001407654.1, NM_001407655.1 and 4 more transcripts); c.922del, p.Ser308fs (NM_001407659.1, NM_001407660.1, NM_001407661.1 and 1 more transcripts); and 40 more; short protein forms S288fs, S335fs, S207fs, S247fs, S264fs, S287fs, S294fs, S334fs.
Identifiers: ClinVar variation 1452362 (VCV001452362.7), dbSNP rs2154480585, ClinGen allele CA2573154036.

ClinVar aggregate classification (germline): Pathogenic (1 of 4 stars; one submission).

Conditions:
Hereditary breast ovarian cancer syndrome. Also called: Hereditary breast and ovarian cancer; Hereditary breast and ovarian cancer syndrome (HBOC); Breast and ovarian cancer; Hereditary breast and ovarian cancer syndrome; Hereditary breast and/or ovarian cancer syndrome; BRCA1- and BRCA2-Associated Hereditary Breast and Ovarian Cancer. Identifiers: Orphanet 145, MedGen C0677776, MeSH D061325, MONDO:0003582. Disease mechanism: loss of function.

Submission:

Labcorp Genetics (formerly Invitae), Labcorp
Classification: Pathogenic for Hereditary breast ovarian cancer syndrome. Last evaluated: 2021-06-23. Review status: criteria provided, single submitter. Criteria: Invitae Variant Classification Sherloc (09022015). Collection method: clinical testing. Allele origin: germline.
Comment: This variant is not present in population databases (ExAC no frequency). This sequence change creates a premature translational stop signal (p.Ser335Alafs*6) in the BRCA1 gene. It is expected to result in an absent or disrupted protein product. Loss-of-function variants in BRCA1 are known to be pathogenic (PMID: 20104584). This variant has not been reported in the literature in individuals with BRCA1-related conditions. For these reasons, this variant has been classified as Pathogenic.

Literature cited by the submitters: PubMed 20104584.